The following is an entry in ClinVar:

ClinVar aggregate classification (germline): Likely pathogenic. Review status: criteria provided, multiple submitters, no conflicts (2 of 4 stars). 3 submissions from 3 submitters: Likely pathogenic (3). Last evaluated 2025-09-22.

Conditions:
Tyrosinemia type I (TYRSN1). Also called: Tyrosinemia type 1; Fumarylacetoacetase deficiency; Deficiency of fumarylacetoacetase; FAH DEFICIENCY; HEPATORENAL TYROSINEMIA. Identifiers: Orphanet 882, MedGen C0268490, MONDO:0010161, OMIM 276700. Disease mechanism: loss of function.

Submissions (3):

Natera, Inc.
Classification: Likely pathogenic for Tyrosinemia type I. Last evaluated: 2025-09-22. Review status: criteria provided, single submitter. Criteria: Natera Variant Classification Schema (03/2026). Collection method: clinical testing. Allele origin: germline.
Comment: The c.374C>G variant in FAH is a missense variant predicted to cause substitution of threonine to arginine at amino acid 125. This variant is rare in the general population with a frequency below the threshold expected for the associated phenotype(s). This variant has been observed in one or more individuals affected with the associated recessive disease, as either homozygous or compound heterozygous with a second variant (PMID: 21764616, 39260601). This variant has been identified in one or more affected individual with a phenotype highly consistent with the associated gene (PMID: 21764616, 39260601). Computational prediction algorithms indicate this variant is likely to affect gene or protein function. Given the available evidence, this variant is classified as Likely Pathogenic.

Women's Health and Genetics/Laboratory Corporation of America, LabCorp
Classification: Likely pathogenic for Tyrosinemia type I. Last evaluated: 2025-05-20. Review status: criteria provided, single submitter. Criteria: LabCorp Variant Classification Summary - May 2015. Collection method: clinical testing. Allele origin: germline.
Comment: Variant summary: FAH c.374C>G (p.Thr125Arg) results in a non-conservative amino acid change in the encoded protein sequence. Algorithms developed to predict the effect of missense changes on protein structure and function all suggest that this variant is likely to be disruptive. The variant was absent in 251476 control chromosomes. c.374C>G has been observed in multiple homozygous individuals affected with Tyrosinemia Type 1 (e.g. Beyzaei_2024, Imtiaz_2011). These data indicate that the variant is likely to be associated with disease. To our knowledge, no experimental evidence demonstrating an impact on protein function has been reported. The following publications have been ascertained in the context of this evaluation (PMID: 39260601, 21764616). No submitters have cited clinical-significance assessments for this variant to ClinVar. Based on the evidence outlined above, the variant was classified as likely pathogenic.

GeneDx
Classification: Likely pathogenic. Last evaluated: 2025-01-05. Review status: criteria provided, single submitter. Criteria: GeneDx Variant Classification Process June 2021. Collection method: clinical testing. Allele origin: germline. Affected: yes.
Comment: Not observed at significant frequency in large population cohorts (gnomAD); In silico analysis supports that this missense variant has a deleterious effect on protein structure/function; This variant is associated with the following publications: (PMID: 39260601, 21764616)

Literature cited by the submitters: PubMed 21764616 (cited by Natera, Inc. and Women's Health and Genetics/Laboratory Corporation of America, LabCorp); PubMed 39260601 (cited by Natera, Inc. and Women's Health and Genetics/Laboratory Corporation of America, LabCorp).

NM_000137.4(FAH):c.374C>G (p.Thr125Arg)

Gene: FAH (fumarylacetoacetate hydrolase; plus strand). Cytogenetic location: 15q25.1.
Variant type: single nucleotide variant.
Coding change: c.374C>G on transcript NM_000137.4 (MANE Select); coding-DNA position 374, C replaced by G.
Protein change: p.Thr125Arg; replaces threonine 125 with arginine.
Molecular consequence: missense variant.
Genome position (GRCh38, 1-based): chr15:80,162,255, C>G. VCF-style: chr15-80162255-C-G. GRCh37 (hg19) VCF-style: chr15-80454597-C-G.
Other names: c.374C>G, p.Thr125Arg (NM_001374377.1, NM_001374380.1); c.374C>G (NM_000137.2); short protein forms T125R.
Identifiers: ClinVar variation 3902107 (VCV003902107.3).